The following is an entry in ClinVar:

NM_003392.7(WNT5A):c.1052A>T (p.Gln351Leu)

Gene: WNT5A (Wnt family member 5A; minus strand). Cytogenetic location: 3p14.3.
Variant type: single nucleotide variant.
Coding change: c.1052A>T on transcript NM_003392.7 (MANE Select); coding-DNA position 1052, A replaced by T.
Protein change: p.Gln351Leu; replaces glutamine 351 with leucine.
Molecular consequence: missense variant.
Genome position (GRCh38, 1-based): chr3:55,470,183, T>A on the plus strand (A>T on the coding strand, the complement: WNT5A is on the minus strand). VCF-style: chr3-55470183-T-A. GRCh37 (hg19) VCF-style: chr3-55504211-T-A.
Other names: c.1007A>T, p.Gln336Leu (NM_001256105.1, NM_001377271.1, NM_001377272.1); short protein forms Q351L, Q336L.
Identifiers: ClinVar variation 392255 (VCV000392255.2), dbSNP rs1057524412, ClinGen allele CA16604505.

ClinVar aggregate classification (germline): Uncertain significance (1 of 4 stars; one submission).

Submission:

GeneDx
Classification: Uncertain significance. Last evaluated: 2017-01-13. Review status: criteria provided, single submitter. Criteria: GeneDx Variant Classification (06012015). Collection method: clinical testing. Allele origin: germline. Affected: yes.
Comment: The Q351L variant in the WNT5A gene has not been reported previously as a pathogenic variant, nor as a benign variant, to our knowledge. The Q351L variant was not observed in approximately 6,500 individuals of European and African American ancestry in the NHLBI Exome Sequencing Project, indicating it is not a common benign variant in these populations. The Q351L variant is a non-conservative amino acid substitution, which is likely to impact secondary protein structure as these residues differ in polarity, charge, size and/or other properties. This substitution occurs at a position that is conserved in mammals and in silico analysis is inconsistent in its predictions as to whether or not the variant is damaging to the protein structure/function. We interpret Q351L as a variant of uncertain significance.